The following is an entry in ClinVar:

ClinVar aggregate classification (germline): Uncertain significance. Review status: criteria provided, multiple submitters, no conflicts (2 of 4 stars). 2 submissions from 2 submitters: Uncertain significance (2). Last evaluated 2025-04-20.

Conditions:
Facial dysmorphism-immunodeficiency-livedo-short stature syndrome. Also called: FILS syndrome; Facial dysmorphism, immunodeficiency, livedo, and short stature. Identifiers: Orphanet 352712, MedGen C3554576, MONDO:0014058, OMIM 615139.
Colorectal cancer, susceptibility to, 12 (CRCS12). Also called: COLORECTAL CANCER, SUSCEPTIBILITY TO, ON CHROMOSOME 12q24. Identifiers: Orphanet 220460, MedGen C3554460, MONDO:0014038, OMIM 615083.
Intrauterine growth retardation, metaphyseal dysplasia, adrenal hypoplasia congenita, genital anomalies, and immunodeficiency. Also called: IMAGEI SYNDROME. Identifiers: MedGen C5193036, MONDO:0032684, OMIM 618336.

Submissions (2):

Labcorp Genetics (formerly Invitae), Labcorp
Classification: Uncertain significance. Last evaluated: 2025-04-20. Review status: criteria provided, single submitter. Criteria: Invitae Variant Classification Sherloc (09022015). Collection method: clinical testing. Allele origin: germline.
Comment: This sequence change replaces proline, which is neutral and non-polar, with threonine, which is neutral and polar, at codon 1095 of the POLE protein (p.Pro1095Thr). This variant is not present in population databases (gnomAD no frequency). This variant has not been reported in the literature in individuals affected with POLE-related conditions. Invitae Evidence Modeling of protein sequence and biophysical properties (such as structural, functional, and spatial information, amino acid conservation, physicochemical variation, residue mobility, and thermodynamic stability) indicates that this missense variant is expected to disrupt POLE protein function with a positive predictive value of 80%. In summary, the available evidence is currently insufficient to determine the role of this variant in disease. Therefore, it has been classified as a Variant of Uncertain Significance.

Department of Pathology and Laboratory Medicine, Sinai Health System
Classification: Uncertain significance for Colorectal cancer, susceptibility to, 12; Facial dysmorphism-immunodeficiency-livedo-short stature syndrome; Intrauterine growth retardation, metaphyseal dysplasia, adrenal hypoplasia congenita, genital anomalies, and immunodeficiency. Last evaluated: 2019-11-20. Review status: criteria provided, single submitter. Criteria: ACMG Guidelines, 2015. Collection method: clinical testing. Allele origin: germline. Affected: no.

NM_006231.4(POLE):c.3283C>A (p.Pro1095Thr)

Gene: POLE (DNA polymerase epsilon, catalytic subunit; minus strand). Cytogenetic location: 12q24.33.
Variant type: single nucleotide variant.
Coding change: c.3283C>A on transcript NM_006231.4 (MANE Select); coding-DNA position 3283, C replaced by A.
Protein change: p.Pro1095Thr; replaces proline 1095 with threonine.
Molecular consequence: missense variant.
Genome position (GRCh38, 1-based): chr12:132,657,963, G>T on the plus strand (C>A on the coding strand, the complement: POLE is on the minus strand). VCF-style: chr12-132657963-G-T. GRCh37 (hg19) VCF-style: chr12-133234549-G-T.
Other names: short protein forms P1095T.
Identifiers: ClinVar variation 3892143 (VCV003892143.2).